The following is an entry in ClinVar:

NM_006231.4(POLE):c.1394C>A (p.Ala465Asp)

Gene: POLE (DNA polymerase epsilon, catalytic subunit; minus strand). Cytogenetic location: 12q24.33.
Variant type: single nucleotide variant.
Coding change: c.1394C>A on transcript NM_006231.4 (MANE Select); coding-DNA position 1394, C replaced by A.
Protein change: p.Ala465Asp; replaces alanine 465 with aspartic acid.
Molecular consequence: missense variant.
Genome position (GRCh38, 1-based): chr12:132,673,243, G>T on the plus strand (C>A on the coding strand, the complement: POLE is on the minus strand). VCF-style: chr12-132673243-G-T. GRCh37 (hg19) VCF-style: chr12-133249829-G-T.
Other names: short protein forms A465D.
Identifiers: ClinVar variation 1771590 (VCV001771590.3), dbSNP rs1555228490, ClinGen allele CA387358629.

ClinVar aggregate classification (germline): Uncertain significance (1 of 4 stars; one submission).

Conditions:
Hereditary cancer-predisposing syndrome. Also called: Hereditary Cancer Syndrome; Hereditary neoplastic syndrome; Neoplastic Syndromes, Hereditary; Tumor predisposition. Identifiers: Orphanet 140162, MedGen C0027672, MeSH D009386, MONDO:0015356.

Submission:

Ambry Genetics
Classification: Uncertain significance for Hereditary cancer-predisposing syndrome. Last evaluated: 2025-11-30. Review status: criteria provided, single submitter. Criteria: Ambry Variant Classification Scheme 2023. Collection method: clinical testing. Allele origin: germline.
Comment: The p.A465D variant (also known as c.1394C>A), located in coding exon 14 of the POLE gene, results from a C to A substitution at nucleotide position 1394. The alanine at codon 465 is replaced by aspartic acid, an amino acid with dissimilar properties. This amino acid position is highly conserved in available vertebrate species. In addition, this alteration is predicted to be deleterious by in silico analysis. Since supporting evidence is limited at this time, the clinical significance of this alteration remains unclear.